The following is an entry in ClinVar:

ClinVar aggregate classification (germline): Benign (1 of 4 stars; one submission).

Conditions:
Mitochondrial DNA depletion syndrome, myopathic form (MTDPS2). Also called: MITOCHONDRIAL DNA DEPLETION MYOPATHY, TK2-RELATED; TK2-Related Mitochondrial DNA Maintenance Defect, Myopathic Form; MITOCHONDRIAL DNA DEPLETION SYNDROME 2 (MYOPATHIC TYPE). Identifiers: Orphanet 254875, MedGen C3149750, MONDO:0012301, OMIM 609560.

Allele frequency attached by ClinVar (database versions not stated): gnomAD 0.00296 and 0.00313; TOPMed 0.00332; 1000 Genomes Project 30x 0.00422; 1000 Genomes Project 0.00439.

Submission:

Illumina Laboratory Services, Illumina
Classification: Benign for Mitochondrial DNA depletion syndrome, myopathic form. Last evaluated: 2018-01-12. Review status: criteria provided, single submitter. Criteria: ICSL Variant Classification Criteria 13 December 2019. Collection method: clinical testing. Allele origin: germline.
Comment: This variant was observed in the ICSL laboratory as part of a predisposition screen in an ostensibly healthy population. It had not been previously curated by ICSL or reported in the Human Gene Mutation Database (HGMD: prior to June 1st, 2018), and was therefore a candidate for classification through an automated scoring system. Utilizing variant allele frequency, disease prevalence and penetrance estimates, and inheritance mode, an automated score was calculated to assess if this variant is too frequent to cause the disease. Based on the score and internal cut-off values, a variant classified as benign is not then subjected to further curation. The score for this variant resulted in a classification of benign for this disease.

NM_004614.5(TK2):c.*1959G>A

Gene: TK2 (thymidine kinase 2; minus strand). Cytogenetic location: 16q21.
Variant type: single nucleotide variant.
Coding change: c.*1959G>A on transcript NM_004614.5 (MANE Select); 1959 bases downstream of the stop codon, G replaced by A.
Molecular consequence: 3 prime UTR variant. On other transcripts: non-coding transcript variant (1).
Genome position (GRCh38, 1-based): chr16:66,510,009, C>T on the plus strand (G>A on the coding strand, the complement: TK2 is on the minus strand). VCF-style: chr16-66510009-C-T. GRCh37 (hg19) VCF-style: chr16-66543912-C-T.
Other names: c.*1959G>A (NM_001172643.1, NM_001172644.2, NM_001172645.2 and 2 more transcripts); c.*2054G>A (NM_001271935.1).
Identifiers: ClinVar variation 886420 (VCV000886420.4), dbSNP rs145016391, ClinGen allele CA282170315.